The following is an entry in ClinVar:

ClinVar aggregate classification (germline): Pathogenic (1 of 4 stars; one submission).

Conditions:
Cohen syndrome (COH1). Also called: PEPPER SYNDROME; Cutis verticis gyrata, retinitis pigmentosa, and sensorineural deafness. Identifiers: Orphanet 193, MedGen C0265223, MONDO:0008999, OMIM 216550.

Submission:

Labcorp Genetics (formerly Invitae), Labcorp
Classification: Pathogenic for Cohen syndrome. Last evaluated: 2018-09-05. Review status: criteria provided, single submitter. Criteria: Invitae Variant Classification Sherloc (09022015). Collection method: clinical testing. Allele origin: germline.
Comment: This variant is not present in population databases (ExAC no frequency). For these reasons, this variant has been classified as Pathogenic. Loss-of-function variants in VPS13B are known to be pathogenic (PMID: 15141358, 16648375, 20461111). This variant has not been reported in the literature in individuals with VPS13B-related disease. This sequence change creates a premature translational stop signal (p.Val1651Leufs*9) in the VPS13B gene. It is expected to result in an absent or disrupted protein product.

Literature cited by the submitters: PubMed 15141358; PubMed 16648375; PubMed 20461111.

NM_152564.5(VPS13B):c.4876_4877del (p.Val1626fs)

Gene: VPS13B (vacuolar protein sorting 13 homolog B; plus strand). Cytogenetic location: 8q22.2.
Variant type: Microsatellite.
Coding change: c.4876_4877del on transcript NM_152564.5 (MANE Select); coding-DNA positions 4876 to 4877, 2 bases deleted (GT; older notation c.4876_4877delGT).
Protein change: p.Val1626fs; shifts the reading frame from valine 1626.
Molecular consequence: frameshift variant.
Genome position (GRCh38, 1-based): chr8:99,556,580-99,556,581, GT deleted; deleting any 2 consecutive bases within chr8:99,556,578-99,556,581 gives the same sequence; the c. name uses the placement nearest the transcript's 3' end. VCF-style (leftmost placement, unchanged base first): chr8-99556577-AGT-A. GRCh37 (hg19) VCF-style: chr8-100568805-AGT-A.
Other names: c.4951_4952del, p.Val1651fs (NM_017890.5); c.4951_4952delGT (NM_017890.4); short protein forms V1626fs, V1651fs.
Identifiers: ClinVar variation 660338 (VCV000660338.6), dbSNP rs1588491595, ClinGen allele CA915948856.